The following is an entry in ClinVar:

ClinVar aggregate classification (germline): Likely pathogenic. Review status: criteria provided, single submitter (1 of 4 stars). 2 submissions from 2 submitters: Likely pathogenic (1). 1 of the submissions does not count toward it. Last evaluated 2024-10-16.

Conditions:
Aicardi-Goutieres syndrome 7 (AGS7). Identifiers: Orphanet 51, MedGen C3888244, MONDO:0014367, OMIM 615846.

Submissions (2):

GeneDx
Classification: Likely pathogenic. Last evaluated: 2024-10-16. Review status: criteria provided, single submitter. Criteria: GeneDx Variant Classification Process June 2021. Collection method: clinical testing. Allele origin: germline. Affected: yes.
Comment: In silico analysis supports that this missense variant has a deleterious effect on protein structure/function; Not observed at significant frequency in large population cohorts (gnomAD); This variant is associated with the following publications: (PMID: 30965144, 37453753, Yang2023[casereport], 31898846, 37547187)

Laboratory of Neurogenetics and Neuroinflammation, Institut Imagine
Classification: Pathogenic for Aicardi-Goutieres syndrome 7. Last evaluated: 2019-06-11. Review status: no assertion criteria provided. Collection method: clinical testing. Allele origin: germline. Affected: yes. Observed: 2 variant alleles. Not counted in ClinVar's aggregate classification.

Literature cited by the submitters: PubMed 31898846 (cited by Laboratory of Neurogenetics and Neuroinflammation, Institut Imagine).

NM_022168.4(IFIH1):c.2342G>A (p.Gly781Glu)

Gene: IFIH1 (interferon induced with helicase C domain 1; minus strand). Cytogenetic location: 2q24.2.
Variant type: single nucleotide variant.
Coding change: c.2342G>A on transcript NM_022168.4 (MANE Select); coding-DNA position 2342, G replaced by A.
Protein change: p.Gly781Glu; replaces glycine 781 with glutamic acid.
Molecular consequence: missense variant.
Genome position (GRCh38, 1-based): chr2:162,273,907, C>T on the plus strand (G>A on the coding strand, the complement: IFIH1 is on the minus strand). VCF-style: chr2-162273907-C-T. GRCh37 (hg19) VCF-style: chr2-163130417-C-T.
Other names: short protein forms G781E.
Identifiers: ClinVar variation 812533 (VCV000812533.3), dbSNP rs1576222845, ClinGen allele CA348995999.